The following is an entry in ClinVar:

NM_001754.5(RUNX1):c.844_856del (p.Asp282fs)

Gene: RUNX1 (RUNX family transcription factor 1; minus strand). Cytogenetic location: 21q22.12.
Variant type: Deletion.
Coding change: c.844_856del on transcript NM_001754.5 (MANE Select); coding-DNA positions 844 to 856, 13 bases deleted (GATCAGTCCTACC).
Protein change: p.Asp282fs; shifts the reading frame from aspartic acid 282.
Molecular consequence: frameshift variant.
Genome position (GRCh38, 1-based): chr21:34,799,412-34,799,424, GGTAGGACTGATC deleted on the plus strand (GATCAGTCCTACC on the coding strand, the reverse complement: RUNX1 is on the minus strand); deleting any 13 consecutive bases within chr21:34,799,412-34,799,425 gives the same sequence; the c. name uses the placement nearest the transcript's 3' end. VCF-style (leftmost placement, unchanged base first): chr21-34799411-TGGTAGGACTGATC-T. GRCh37 (hg19) VCF-style: chr21-36171708-TGGTAGGACTGATC-T.
Other names: NM_001754.5(RUNX1):c.844_856del; p.Asp282fs; c.763_775del, p.Asp255fs (NM_001001890.3); short protein forms D255fs, D282fs.
Identifiers: ClinVar variation 934175 (VCV000934175.9), dbSNP rs2056577059, ClinGen allele CA1139666840.

ClinVar aggregate classification (germline): Likely pathogenic. Review status: reviewed by expert panel (3 of 4 stars). 2 submissions from 2 submitters: Likely pathogenic (1). 1 of the submissions does not count toward it. Last evaluated 2026-10-02.

Conditions:
Hereditary thrombocytopenia and hematologic cancer predisposition syndrome. Identifiers: Orphanet 71290, MedGen CN281654, MONDO:0011071.
Hereditary thrombocytopenia and hematological cancer predisposition syndrome associated with RUNX1. Also called: Familial Platelet Disorder with Propensity to Acute Myelogenous Leukemia; Familial thrombocytopenia with propensity to acute myelogenous leukemia; RUNX1 Familial Platelet Disorder with Associated Myeloid Malignancies; PLATELET DISORDER, ASPIRIN-LIKE. Identifiers: Orphanet 71290, MedGen C1832388, MeSH C563324, MONDO:0100083, OMIM 601399.

Submissions (2):

ClinGen Myeloid Malignancy Variant Curation Expert Panel
Classification: Likely pathogenic for Hereditary thrombocytopenia and hematologic cancer predisposition syndrome. Last evaluated: 2026-10-02. Review status: reviewed by expert panel. Criteria: ClinGen MyeloMalig ACMG Specifications V3.1. Collection method: curation. Allele origin: germline. Inheritance: Autosomal dominant inheritance.
Comment: NM_001754.5(RUNX1):c.844_856del (p.Asp282fs) is a frameshift variant which is not predicted to undergo NMD (PVS1_Strong). This variant is downstream of c.98 (PM5_Supporting) and is completely absent from all population databases with at least 20x coverage for RUNX1 (PM2_Supporting). In summary, this variant meets criteria to be classified as likely pathogenic. ACMG/AMP criteria applied, as specified by the ClinGen Myeloid Malignancy Variant Curation Expert Panel for RUNX1: PVS1_Strong, PM5_Supporting, PM2_Supporting.

Labcorp Genetics (formerly Invitae), Labcorp
Classification: Pathogenic for Hereditary thrombocytopenia and hematological cancer predisposition syndrome associated with RUNX1. Last evaluated: 2024-04-17. Review status: criteria provided, single submitter. Criteria: Invitae Variant Classification Sherloc (09022015). Collection method: clinical testing. Allele origin: germline. Not counted in ClinVar's aggregate classification.
Comment: This sequence change creates a premature translational stop signal (p.Asp282Asnfs*25) in the RUNX1 gene. While this is not anticipated to result in nonsense mediated decay, it is expected to disrupt the last 199 amino acid(s) of the RUNX1 protein. This variant is not present in population databases (gnomAD no frequency). This variant has not been reported in the literature in individuals affected with RUNX1-related conditions. ClinVar contains an entry for this variant (Variation ID: 934175). This variant disrupts the transcriptional activation domain, inhibitory domain, and VWRPY domain of the RUNX1 protein, which are important for regulating RUNX1 protein stability and function (PMID: 22689681, 23753029, 15749889, 14504086). While functional studies have not been performed to directly test the effect of this variant on RUNX1 protein function, this suggests that disruption of this region of the protein is causative of disease. This variant disrupts a region of the RUNX1 protein in which other variant(s) (p.Arg320*) have been determined to be pathogenic (PMID: 18723428, 22318203, 25840971, 31064749, 32208489; external communications). This suggests that this is a clinically significant region of the protein, and that variants that disrupt it are likely to be disease-causing. For these reasons, this variant has been classified as Pathogenic.

Literature cited by the submitters: PubMed 22689681 (cited by Labcorp Genetics (formerly Invitae), Labcorp); PubMed 23753029 (cited by Labcorp Genetics (formerly Invitae), Labcorp); PubMed 15749889 (cited by Labcorp Genetics (formerly Invitae), Labcorp); PubMed 14504086 (cited by Labcorp Genetics (formerly Invitae), Labcorp); PubMed 18723428 (cited by Labcorp Genetics (formerly Invitae), Labcorp); PubMed 22318203 (cited by Labcorp Genetics (formerly Invitae), Labcorp); PubMed 25840971 (cited by Labcorp Genetics (formerly Invitae), Labcorp); PubMed 31064749 (cited by Labcorp Genetics (formerly Invitae), Labcorp); PubMed 32208489 (cited by Labcorp Genetics (formerly Invitae), Labcorp).